The following is an entry in ClinVar:

NM_006660.5(CLPX):c.1361C>T (p.Ala454Val)

Gene: CLPX (caseinolytic mitochondrial matrix peptidase chaperone subunit X; minus strand). Cytogenetic location: 15q22.31.
Variant type: single nucleotide variant.
Coding change: c.1361C>T on transcript NM_006660.5 (MANE Select); coding-DNA position 1361, C replaced by T.
Protein change: p.Ala454Val; replaces alanine 454 with valine.
Molecular consequence: missense variant. On other transcripts: non-coding transcript variant (1).
Genome position (GRCh38, 1-based): chr15:65,155,032, G>A on the plus strand (C>T on the coding strand, the complement: CLPX is on the minus strand). VCF-style: chr15-65155032-G-A. GRCh37 (hg19) VCF-style: chr15-65447370-G-A.
Other names: short protein forms A454V.
Identifiers: ClinVar variation 1924874 (VCV001924874.5), dbSNP rs764840084, ClinGen allele CA7614653.
Genomic context (GRCh38, chr15:65,155,032, plus strand): 5'-TCTTCAATGTCTTGGTGAGTATTCGATTCCCCACTTCGATTAGCAAGGTCTGCAGCAGCT[G>A]CAGCCCTTCTGCCTTTTCCCAGATTAGATGGTGTTCCAAATCCAAGATACTGCCAAAGAA-3'
Protein context (NP_006651.2, residues 444-464): PSNLGKGRRA[Ala454Val]AAADLANRSG

ClinVar aggregate classification (germline): Uncertain significance (1 of 4 stars; one submission).

Allele frequency attached by ClinVar (database versions not stated): gnomAD 0.00001; gnomAD exomes 0.00001; ExAC 0.00003.
gnomAD v4.1: 12 of 1,613,972 alleles (0.00074%); highest among the groups gnomAD compares: South Asian, 0.012%; no homozygotes.

Submission:

Labcorp Genetics (formerly Invitae), Labcorp
Classification: Uncertain significance. Last evaluated: 2024-12-02. Review status: criteria provided, single submitter. Criteria: Invitae Variant Classification Sherloc (09022015). Collection method: clinical testing. Allele origin: germline.
Comment: This sequence change replaces alanine, which is neutral and non-polar, with valine, which is neutral and non-polar, at codon 454 of the CLPX protein (p.Ala454Val). This variant is present in population databases (rs764840084, gnomAD 0.01%). This variant has not been reported in the literature in individuals affected with CLPX-related conditions. ClinVar contains an entry for this variant (Variation ID: 1924874). Invitae Evidence Modeling of protein sequence and biophysical properties (such as structural, functional, and spatial information, amino acid conservation, physicochemical variation, residue mobility, and thermodynamic stability) indicates that this missense variant is not expected to disrupt CLPX protein function with a negative predictive value of 80%. In summary, the available evidence is currently insufficient to determine the role of this variant in disease. Therefore, it has been classified as a Variant of Uncertain Significance.